The following is an entry in ClinVar:

NM_000147.4(FUCA1):c.-122G>T

Gene: FUCA1 (alpha-L-fucosidase 1; minus strand). Cytogenetic location: 1p36.11.
Variant type: single nucleotide variant.
Coding change: c.-122G>T on transcript NM_000147.4; 122 bases upstream of the start codon, G replaced by T.
Genome position (GRCh38, 1-based): chr1:23,868,408, C>A on the plus strand (G>T on the coding strand, the complement: FUCA1 is on the minus strand). VCF-style: chr1-23868408-C-A. GRCh37 (hg19) VCF-style: chr1-24194898-C-A.
Identifiers: ClinVar variation 683915 (VCV000683915.4), dbSNP rs2070952, ClinGen allele CA15091022.

ClinVar aggregate classification (germline): Benign. Review status: criteria provided, multiple submitters, no conflicts (2 of 4 stars). 2 submissions from 2 submitters: Benign (2). Last evaluated 2018-06-19.

Allele frequency attached by ClinVar (database versions not stated): 1000 Genomes Project 0.14277; gnomAD 0.10462 and 0.10733; TOPMed 0.11193; 1000 Genomes Project 30x 0.14257.

Submissions (2):

GeneDx
Classification: Benign. Last evaluated: 2018-06-19. Review status: criteria provided, single submitter. Criteria: GeneDx Variant Classification (06012015). Collection method: clinical testing. Allele origin: germline. Affected: yes.
Comment: This variant is considered likely benign or benign based on one or more of the following criteria: it is a conservative change, it occurs at a poorly conserved position in the protein, it is predicted to be benign by multiple in silico algorithms, and/or has population frequency not consistent with disease.

Breakthrough Genomics
Classification: Benign. Review status: criteria provided, single submitter. Criteria: ACMG Guidelines, 2015. Collection method: not provided. Allele origin: germline. Inheritance: Autosomal recessive inheritance. Affected: yes.